The following is an entry in ClinVar:

ClinVar aggregate classification (germline): Likely benign. Review status: criteria provided, multiple submitters, no conflicts (2 of 4 stars). 3 submissions from 3 submitters: Likely benign (2). 1 of the submissions does not count toward it. Last evaluated 2025-05-27.

Conditions:
IFT172-related disorder. Also called: IFT172-related condition; IFT172-related disorders.
Short-rib thoracic dysplasia 10 with or without polydactyly (SRTD10). Identifiers: Orphanet 474, MedGen C3810175, MONDO:0014284, OMIM 615630.
Retinitis pigmentosa 71 (RP71). Identifiers: Orphanet 791, MedGen C4225342, MONDO:0014618, OMIM 616394.

Allele frequency attached by ClinVar (database versions not stated): gnomAD exomes 0.00001 and 0.00003.
gnomAD v4.1: 50 of 1,612,086 alleles (0.0031%); highest among the groups gnomAD compares: Non-Finnish European, 0.0042%; no homozygotes.

Submissions (3):

Labcorp Genetics (formerly Invitae), Labcorp
Classification: Likely benign for Retinitis pigmentosa 71; Short-rib thoracic dysplasia 10 with or without polydactyly. Last evaluated: 2025-05-27. Review status: criteria provided, single submitter. Criteria: Invitae Variant Classification Sherloc (09022015). Collection method: clinical testing. Allele origin: germline.

Blueprint Genetics
Classification: Likely benign. Last evaluated: 2019-01-15. Review status: criteria provided, single submitter. Criteria: ACMG Guidelines, 2015. Collection method: clinical testing. Allele origin: germline.

PreventionGenetics, part of Exact Sciences
Classification: Likely benign for IFT172-related condition. Last evaluated: 2021-10-18. Review status: no assertion criteria provided. Collection method: clinical testing. Allele origin: germline. Not counted in ClinVar's aggregate classification.
Comment: This variant is classified as likely benign based on ACMG/AMP sequence variant interpretation guidelines (Richards et al. 2015 PMID: 25741868, with internal and published modifications).

NM_015662.3(IFT172):c.6C>T (p.His2=)

Gene: IFT172 (intraflagellar transport 172; minus strand). Cytogenetic location: 2p23.3.
Variant type: single nucleotide variant.
Coding change: c.6C>T on transcript NM_015662.3 (MANE Select); coding-DNA position 6, C replaced by T.
Protein change: p.His2=; no amino-acid change (histidine 2 retained).
Molecular consequence: synonymous variant.
Genome position (GRCh38, 1-based): chr2:27,489,648, G>A on the plus strand (C>T on the coding strand, the complement: IFT172 is on the minus strand). VCF-style: chr2-27489648-G-A. GRCh37 (hg19) VCF-style: chr2-27712515-G-A.
Other names: c.6C>T (NM_015662.2).
Identifiers: ClinVar variation 1113835 (VCV001113835.11), dbSNP rs1430470069, ClinGen allele CA425415624.